The following is an entry in ClinVar:

NM_006922.4(SCN3A):c.3350C>A (p.Thr1117Asn)

Gene: SCN3A (sodium voltage-gated channel alpha subunit 3; minus strand). Cytogenetic location: 2q24.3.
Variant type: single nucleotide variant.
Coding change: c.3350C>A on transcript NM_006922.4 (MANE Select); coding-DNA position 3350, C replaced by A.
Protein change: p.Thr1117Asn; replaces threonine 1117 with asparagine.
Molecular consequence: missense variant.
Genome position (GRCh38, 1-based): chr2:165,127,674, G>T on the plus strand (C>A on the coding strand, the complement: SCN3A is on the minus strand). VCF-style: chr2-165127674-G-T. GRCh37 (hg19) VCF-style: chr2-165984184-G-T.
Other names: c.3203C>A, p.Thr1068Asn (NM_001081676.2, NM_001081677.2); short protein forms T1068N, T1117N.
Identifiers: ClinVar variation 1308962 (VCV001308962.33), dbSNP rs767706892, ClinGen allele CA1938818.

ClinVar aggregate classification (germline): Uncertain significance. Review status: criteria provided, multiple submitters, no conflicts (2 of 4 stars). 4 submissions from 4 submitters: Uncertain significance (4). Last evaluated 2025-11-05.

Conditions:
Inborn genetic diseases. Identifiers: MedGen C0950123, MeSH D030342.

gnomAD v4.1: 16 of 1,614,086 alleles (0.00099%); highest among the groups gnomAD compares: East Asian, 0.0022%; no homozygotes.

Submissions (4):

Ambry Genetics
Classification: Uncertain significance for Inborn genetic diseases. Last evaluated: 2025-11-05. Review status: criteria provided, single submitter. Criteria: Ambry Variant Classification Scheme 2023. Collection method: clinical testing. Allele origin: germline.

CeGaT Center for Human Genetics Tuebingen
Classification: Uncertain significance. Last evaluated: 2025-11-01. Review status: criteria provided, single submitter. Criteria: CeGaT Center For Human Genetics Tuebingen Variant Classification Criteria Version 2. Collection method: clinical testing. Allele origin: germline. Affected: yes. Observed: 2 variant alleles.
Comment: SCN3A: PP3

Labcorp Genetics (formerly Invitae), Labcorp
Classification: Uncertain significance. Last evaluated: 2025-07-07. Review status: criteria provided, single submitter. Criteria: Invitae Variant Classification Sherloc (09022015). Collection method: clinical testing. Allele origin: germline.
Comment: This sequence change replaces threonine, which is neutral and polar, with asparagine, which is neutral and polar, at codon 1117 of the SCN3A protein (p.Thr1117Asn). This variant is present in population databases (rs767706892, gnomAD 0.002%). This variant has not been reported in the literature in individuals affected with SCN3A-related conditions. ClinVar contains an entry for this variant (Variation ID: 1308962). Invitae Evidence Modeling of protein sequence and biophysical properties (such as structural, functional, and spatial information, amino acid conservation, physicochemical variation, residue mobility, and thermodynamic stability) indicates that this missense variant is not expected to disrupt SCN3A protein function with a negative predictive value of 95%. In summary, the available evidence is currently insufficient to determine the role of this variant in disease. Therefore, it has been classified as a Variant of Uncertain Significance.

GeneDx
Classification: Uncertain significance. Last evaluated: 2019-10-08. Review status: criteria provided, single submitter. Criteria: GeneDx Variant Classification Process June 2021. Collection method: clinical testing. Allele origin: germline. Affected: yes.
Comment: Not observed at a significant frequency in large population cohorts (Lek et al., 2016); In silico analysis, which includes protein predictors and evolutionary conservation, supports a deleterious effect; Has not been previously published as pathogenic or benign to our knowledge